The following is an entry in ClinVar:

ClinVar aggregate classification (germline): Uncertain significance (1 of 4 stars; one submission).

Submission:

Labcorp Genetics (formerly Invitae), Labcorp
Classification: Uncertain significance. Last evaluated: 2023-01-13. Review status: criteria provided, single submitter. Criteria: Invitae Variant Classification Sherloc (09022015). Collection method: clinical testing. Allele origin: germline.
Comment: In summary, the available evidence is currently insufficient to determine the role of this variant in disease. Therefore, it has been classified as a Variant of Uncertain Significance. Advanced modeling of protein sequence and biophysical properties (such as structural, functional, and spatial information, amino acid conservation, physicochemical variation, residue mobility, and thermodynamic stability) performed at Invitae indicates that this missense variant is not expected to disrupt SAMD9L protein function. This variant has not been reported in the literature in individuals affected with SAMD9L-related conditions. This variant is not present in population databases (gnomAD no frequency). This sequence change replaces serine, which is neutral and polar, with asparagine, which is neutral and polar, at codon 1293 of the SAMD9L protein (p.Ser1293Asn).

NM_152703.5(SAMD9L):c.3878G>A (p.Ser1293Asn)

Gene: SAMD9L (sterile alpha motif domain containing 9 like; minus strand). Cytogenetic location: 7q21.2.
Variant type: single nucleotide variant.
Coding change: c.3878G>A on transcript NM_152703.5 (MANE Select); coding-DNA position 3878, G replaced by A.
Protein change: p.Ser1293Asn; replaces serine 1293 with asparagine.
Molecular consequence: missense variant.
Genome position (GRCh38, 1-based): chr7:93,132,094, C>T on the plus strand (G>A on the coding strand, the complement: SAMD9L is on the minus strand). VCF-style: chr7-93132094-C-T. GRCh37 (hg19) VCF-style: chr7-92761407-C-T.
Other names: c.3878G>A, p.Ser1293Asn (NM_001303496.3, NM_001303497.3, NM_001303498.3 and 5 more transcripts); short protein forms S1293N.
Identifiers: ClinVar variation 1951110 (VCV001951110.5), dbSNP rs2535408496, ClinGen allele CA368179329.